The following is an entry in ClinVar:

NM_001364564.1(SALL2):c.310G>A (p.Val104Met)

Gene: SALL2 (spalt like transcription factor 2; minus strand). Cytogenetic location: 14q11.2.
Variant type: single nucleotide variant.
Coding change: c.310G>A on transcript NM_001364564.1 (MANE Select); coding-DNA position 310, G replaced by A.
Protein change: p.Val104Met; replaces valine 104 with methionine.
Molecular consequence: missense variant. On other transcripts: non-coding transcript variant (2).
Genome position (GRCh38, 1-based): chr14:21,525,412, C>T on the plus strand (G>A on the coding strand, the complement: SALL2 is on the minus strand). VCF-style: chr14-21525412-C-T. GRCh37 (hg19) VCF-style: chr14-21993546-C-T.
Other names: c.316G>A, p.Val106Met (NM_001291446.2, NM_005407.3); c.310G>A, p.Val104Met (NM_001291447.2); short protein forms V104M, V106M.
Identifiers: ClinVar variation 2392058 (VCV002392058.5), dbSNP rs148918122, ClinGen allele CA7093874.
Genomic context (GRCh38, chr14:21,525,412, plus strand): 5'-GGAAATGCCCTGAAGACTCCTCTCCTCTCCTCTCTGGGCCCCAGGTGGGATCCGTGGGCA[C>T]GGAGGACCCAGAATCTGGGGGGTTGCTATGCTCTGTGTCCATGACCTGAGGATTATTGTG-3'
Protein context (NP_001351493.1, residues 94-114): HSNPPDSGSS[Val104Met]PTDPTWGPER

ClinVar aggregate classification (germline): Uncertain significance. Review status: criteria provided, multiple submitters, no conflicts (2 of 4 stars). 2 submissions from 2 submitters: Uncertain significance (2). Last evaluated 2025-06-12.

Allele frequency attached by ClinVar (database versions not stated): 1000 Genomes Project 30x 0.00031; ExAC 0.00002; ESP Exome Variant Server 0.00008; 1000 Genomes Project 0.00020; gnomAD 0.00027.

Submissions (2):

Labcorp Genetics (formerly Invitae), Labcorp
Classification: Uncertain significance. Last evaluated: 2025-06-12. Review status: criteria provided, single submitter. Criteria: Invitae Variant Classification Sherloc (09022015). Collection method: clinical testing. Allele origin: germline.
Comment: This sequence change replaces valine, which is neutral and non-polar, with methionine, which is neutral and non-polar, at codon 106 of the SALL2 protein (p.Val106Met). This variant is present in population databases (rs148918122, gnomAD 0.04%). This variant has not been reported in the literature in individuals affected with SALL2-related conditions. ClinVar contains an entry for this variant (Variation ID: 2392058). An algorithm developed to predict the effect of missense changes on protein structure and function outputs the following: PolyPhen-2: "Benign". The methionine amino acid residue is found in multiple mammalian species, which suggests that this missense change does not adversely affect protein function. In summary, the available evidence is currently insufficient to determine the role of this variant in disease. Therefore, it has been classified as a Variant of Uncertain Significance.

Ambry Genetics
Classification: Uncertain significance. Last evaluated: 2024-06-13. Review status: criteria provided, single submitter. Criteria: Ambry Variant Classification Scheme 2023. Collection method: clinical testing. Allele origin: germline.